The following is an entry in ClinVar:

NM_138348.6(OTULIN):c.349T>C (p.Phe117Leu)

Gene: OTULIN (OTU deubiquitinase with linear linkage specificity; plus strand). Cytogenetic location: 5p15.2.
Variant type: single nucleotide variant.
Coding change: c.349T>C on transcript NM_138348.6 (MANE Select); coding-DNA position 349, T replaced by C.
Protein change: p.Phe117Leu; replaces phenylalanine 117 with leucine.
Molecular consequence: missense variant.
Genome position (GRCh38, 1-based): chr5:14,681,488, T>C. VCF-style: chr5-14681488-T-C. GRCh37 (hg19) VCF-style: chr5-14681597-T-C.
Other names: short protein forms F117L.
Identifiers: ClinVar variation 2584879 (VCV002584879.1), dbSNP rs2478185243, ClinGen allele CA359242860.

ClinVar aggregate classification (germline): Uncertain significance (1 of 4 stars; one submission).

Conditions:
Autoinflammation, panniculitis, and dermatosis syndrome, autosomal recessive (AIPDSB). Also called: OTULIN-RELATED AUTOINFLAMMATORY SYNDROME; OTULIPENIA. Identifiers: Orphanet 500062, MedGen C4310614, MONDO:0014912, OMIM 617099.

Submission:

Neuberg Centre For Genomic Medicine, NCGM
Classification: Uncertain significance for Autoinflammation, panniculitis, and dermatosis syndrome, autosomal recessive. Review status: criteria provided, single submitter. Criteria: ACMG Guidelines, 2015. Collection method: clinical testing. Allele origin: germline. Inheritance: Autosomal recessive inheritance. Affected: yes.
Comment: The missense variant c.349T>C (p.Phe117Leu) in OTULIN gene has not been reported previously as a pathogenic variant nor as a benign variant, to our knowledge. The p.Phe117Leu variant is novel (not in any individuals) in gnomAD Exomes and 1000 Genomes. The amino acid Phe at position 117 is changed to a Leu changing protein sequence and it might alter its composition and physico-chemical properties. The amino acid change p.Phe117Leu in OTULIN is predicted as conserved by GERP++ and PhyloP across 100 vertebrates. For these reasons, this variant has been classified as Uncertain Significance.